The following is an entry in ClinVar:

NM_000433.4(NCF2):c.958C>G (p.Pro320Ala)

Gene: NCF2 (neutrophil cytosolic factor 2; minus strand). Cytogenetic location: 1q25.3.
Variant type: single nucleotide variant.
Coding change: c.958C>G on transcript NM_000433.4 (MANE Select); coding-DNA position 958, C replaced by G.
Protein change: p.Pro320Ala; replaces proline 320 with alanine.
Molecular consequence: missense variant.
Genome position (GRCh38, 1-based): chr1:183,565,746, G>C on the plus strand (C>G on the coding strand, the complement: NCF2 is on the minus strand). VCF-style: chr1-183565746-G-C. GRCh37 (hg19) VCF-style: chr1-183534881-G-C.
Other names: c.958C>G, p.Pro320Ala (NM_001127651.3); c.715C>G, p.Pro239Ala (NM_001190789.2); c.823C>G, p.Pro275Ala (NM_001190794.2); c.850C>G, p.Pro284Ala (NM_001410895.1); short protein forms P275A, P284A, P239A, P320A.
Identifiers: ClinVar variation 2201279 (VCV002201279.3), dbSNP rs755778188, ClinGen allele CA1284731.
Genomic context (GRCh38, chr1:183,565,746, plus strand): 5'-GGCTCCAGGACCACTCACCTGGTGACAGCTGGGGTCTTCCAGGGGCTTTGGAACTAGGAG[G>C]AGCTGGGATGTCGGACTGCGGAGAGCTTTCCTCCTGAAGGCAACAGGGAGCGACGGTCAG-3'
Protein context (NP_000424.2, residues 310-330): ESSPQSDIPA[Pro320Ala]PSSKAPGRPQ

ClinVar aggregate classification (germline): Uncertain significance. Review status: criteria provided, multiple submitters, no conflicts (2 of 4 stars). 3 submissions from 3 submitters: Uncertain significance (3). Last evaluated 2025-10-14.

Conditions:
Inborn genetic diseases. Identifiers: MedGen C0950123, MeSH D030342.
Granulomatous disease, chronic, autosomal recessive, cytochrome b-positive, type 2. Also called: CGD, AUTOSOMAL RECESSIVE CYTOCHROME b-POSITIVE, TYPE II; GRANULOMATOUS DISEASE, CHRONIC, DUE TO NCF2 DEFICIENCY; GRANULOMATOUS DISEASE, CHRONIC, AUTOSOMAL RECESSIVE, 2; Chronic granulomatous disease due to deficiency of NCF-2; Chronic Granulomatous Disease, Autosomal Recessive, Cytochrome b-Positive, Type II. Identifiers: Orphanet 379, MedGen C1856245, MONDO:0009310, OMIM 233710.

Allele frequency attached by ClinVar (database versions not stated): gnomAD 0.00002; TOPMed 0.00005.

Submissions (3):

Ambry Genetics
Classification: Uncertain significance for Inborn genetic diseases. Last evaluated: 2025-10-14. Review status: criteria provided, single submitter. Criteria: Ambry Variant Classification Scheme 2023. Collection method: clinical testing. Allele origin: germline.

Blueprint Genetics
Classification: Uncertain significance. Last evaluated: 2024-08-08. Review status: criteria provided, single submitter. Criteria: ACMG Guidelines, 2015. Collection method: clinical testing. Allele origin: germline.

Labcorp Genetics (formerly Invitae), Labcorp
Classification: Uncertain significance for Granulomatous disease, chronic, autosomal recessive, cytochrome b-positive, type 2. Last evaluated: 2022-06-19. Review status: criteria provided, single submitter. Criteria: Invitae Variant Classification Sherloc (09022015). Collection method: clinical testing. Allele origin: germline.
Comment: This sequence change replaces proline, which is neutral and non-polar, with alanine, which is neutral and non-polar, at codon 320 of the NCF2 protein (p.Pro320Ala). This variant is present in population databases (rs755778188, gnomAD 0.006%). This variant has not been reported in the literature in individuals affected with NCF2-related conditions. Algorithms developed to predict the effect of missense changes on protein structure and function are either unavailable or do not agree on the potential impact of this missense change (SIFT: "Deleterious"; PolyPhen-2: "Benign"; Align-GVGD: "Class C25"). In summary, the available evidence is currently insufficient to determine the role of this variant in disease. Therefore, it has been classified as a Variant of Uncertain Significance.